The following is an entry in ClinVar:

NM_022437.3(ABCG8):c.355A>C (p.Thr119Pro)

Gene: ABCG8 (ATP binding cassette subfamily G member 8; plus strand). Cytogenetic location: 2p21.
Variant type: single nucleotide variant.
Coding change: c.355A>C on transcript NM_022437.3 (MANE Select); coding-DNA position 355, A replaced by C.
Protein change: p.Thr119Pro; replaces threonine 119 with proline.
Molecular consequence: missense variant.
Genome position (GRCh38, 1-based): chr2:43,851,616, A>C. VCF-style: chr2-43851616-A-C. GRCh37 (hg19) VCF-style: chr2-44078755-A-C.
Other names: c.355A>C, p.Thr119Pro (NM_001357321.2); short protein forms T119P.
Identifiers: ClinVar variation 3889993 (VCV003889993.1).

ClinVar aggregate classification (germline): Uncertain significance (1 of 4 stars; one submission).

Conditions:
Cardiovascular phenotype. Identifiers: MedGen CN230736.

Submission:

Ambry Genetics
Classification: Uncertain significance for Cardiovascular phenotype. Last evaluated: 2025-01-19. Review status: criteria provided, single submitter. Criteria: Ambry Variant Classification Scheme 2023. Collection method: clinical testing. Allele origin: germline.
Comment: The p.T119P variant (also known as c.355A>C), located in coding exon 4 of the ABCG8 gene, results from an A to C substitution at nucleotide position 355. The threonine at codon 119 is replaced by proline, an amino acid with highly similar properties. This amino acid position is conserved. In addition, this alteration is predicted to be deleterious by in silico analysis. Based on the available evidence, the clinical significance of this variant remains unclear.